The following is an entry in ClinVar:

ClinVar aggregate classification (germline): Pathogenic (1 of 4 stars; one submission).

Submission:

GeneDx
Classification: Pathogenic. Last evaluated: 2018-02-08. Review status: criteria provided, single submitter. Criteria: GeneDx Variant Classification (06012015). Collection method: clinical testing. Allele origin: germline. Affected: yes.
Comment: The E257X nonsense variant in the KCNQ2 gene is predicted to cause loss of normal protein function either through protein truncation or nonsense-mediated mRNA decay. The E257X variant is not observed in large population cohorts (Lek et al., 2016).

NM_172107.4(KCNQ2):c.769G>T (p.Glu257Ter)

Gene: KCNQ2 (potassium voltage-gated channel subfamily Q member 2; minus strand). Cytogenetic location: 20q13.33.
Variant type: single nucleotide variant.
Coding change: c.769G>T on transcript NM_172107.4 (MANE Select); coding-DNA position 769, G replaced by T.
Protein change: p.Glu257Ter; replaces glutamic acid 257 with a stop codon.
Molecular consequence: nonsense.
Genome position (GRCh38, 1-based): chr20:63,442,453, C>A on the plus strand (G>T on the coding strand, the complement: KCNQ2 is on the minus strand). VCF-style: chr20-63442453-C-A. GRCh37 (hg19) VCF-style: chr20-62073806-C-A.
Other names: c.769G>T, p.Glu257Ter (NM_004518.6, NM_172106.3, NM_172108.5 and 1 more transcripts); short protein forms E257*.
Identifiers: ClinVar variation 504313 (VCV000504313.2), dbSNP rs1555871853, ClinGen allele CA409653481.